The following is an entry in ClinVar:

NM_000038.6(APC):c.6883T>G (p.Ser2295Ala)

Gene: APC (APC regulator of Wnt signaling pathway; plus strand). Cytogenetic location: 5q22.2.
Variant type: single nucleotide variant.
Coding change: c.6883T>G on transcript NM_000038.6 (MANE Select); coding-DNA position 6883, T replaced by G.
Protein change: p.Ser2295Ala; replaces serine 2295 with alanine.
Molecular consequence: missense variant.
Genome position (GRCh38, 1-based): chr5:112,842,477, T>G. VCF-style: chr5-112842477-T-G. GRCh37 (hg19) VCF-style: chr5-112178174-T-G.
Other names: c.6883T>G, p.Ser2295Ala (NM_001127510.3, NM_001354895.2); c.6829T>G, p.Ser2277Ala (NM_001127511.3); c.6937T>G, p.Ser2313Ala (NM_001354896.2); c.6913T>G, p.Ser2305Ala (NM_001354897.2); c.6808T>G, p.Ser2270Ala (NM_001354898.2); c.6799T>G, p.Ser2267Ala (NM_001354899.2); c.6760T>G, p.Ser2254Ala (NM_001354900.2); c.6706T>G, p.Ser2236Ala (NM_001354901.2); and 5 more; short protein forms S2135A, S2277A, S2305A, S2169A, S2194A, S2254A, S2295A, S2313A.
Identifiers: ClinVar variation 644645 (VCV000644645.16), dbSNP rs1554087821, ClinGen allele CA16036352.

ClinVar aggregate classification (germline): Uncertain significance. Review status: criteria provided, multiple submitters, no conflicts (2 of 4 stars). 4 submissions from 4 submitters: Uncertain significance (4). Last evaluated 2025-04-30.

Conditions:
Familial adenomatous polyposis 1 (FAP1). Also called: FAMILIAL ADENOMATOUS POLYPOSIS 1, ATTENUATED; POLYPOSIS, ADENOMATOUS INTESTINAL. Identifiers: MedGen C2713442, MONDO:0021056, OMIM 175100. Disease mechanism: loss of function.
Hereditary cancer-predisposing syndrome. Also called: Neoplastic Syndromes, Hereditary; Tumor predisposition; Hereditary neoplastic syndrome; Hereditary Cancer Syndrome. Identifiers: Orphanet 140162, MedGen C0027672, MeSH D009386, MONDO:0015356.

Submissions (4):

Labcorp Genetics (formerly Invitae), Labcorp
Classification: Uncertain significance for Familial adenomatous polyposis 1. Last evaluated: 2025-04-30. Review status: criteria provided, single submitter. Criteria: Invitae Variant Classification Sherloc (09022015). Collection method: clinical testing. Allele origin: germline.
Comment: This sequence change replaces serine, which is neutral and polar, with alanine, which is neutral and non-polar, at codon 2295 of the APC protein (p.Ser2295Ala). This variant is not present in population databases (gnomAD no frequency). This variant has not been reported in the literature in individuals affected with APC-related conditions. ClinVar contains an entry for this variant (Variation ID: 644645). Invitae Evidence Modeling of protein sequence and biophysical properties (such as structural, functional, and spatial information, amino acid conservation, physicochemical variation, residue mobility, and thermodynamic stability) indicates that this missense variant is not expected to disrupt APC protein function with a negative predictive value of 95%. In summary, the available evidence is currently insufficient to determine the role of this variant in disease. Therefore, it has been classified as a Variant of Uncertain Significance.

Quest Diagnostics Nichols Institute San Juan Capistrano
Classification: Uncertain significance. Last evaluated: 2024-10-02. Review status: criteria provided, single submitter. Criteria: Quest Diagnostics criteria. Collection method: clinical testing. Allele origin: unknown.
Comment: The APC c.6883T>G (p.Ser2295Ala) variant has not been reported in individuals with APC-related conditions in the published literature. It also has not been reported in large, multi-ethnic general populations (Genome Aggregation Database). Analysis of this variant using bioinformatics tools for the prediction of the effect of amino acid changes on protein structure and function yielded predictions that this variant is benign. Based on the available information, we are unable to determine the clinical significance of this variant.

Ambry Genetics
Classification: Uncertain significance for Hereditary cancer-predisposing syndrome. Last evaluated: 2023-11-29. Review status: criteria provided, single submitter. Criteria: Ambry Variant Classification Scheme 2023. Collection method: clinical testing. Allele origin: germline.
Comment: The p.S2295A variant (also known as c.6883T>G), located in coding exon 15 of the APC gene, results from a T to G substitution at nucleotide position 6883. The serine at codon 2295 is replaced by alanine, an amino acid with similar properties. This amino acid position is not well conserved in available vertebrate species. In addition, in silico predictors for this gene do not accurately predict pathogenicity. Since supporting evidence is limited at this time, the clinical significance of this alteration remains unclear.

GeneDx
Classification: Uncertain significance. Last evaluated: 2023-07-25. Review status: criteria provided, single submitter. Criteria: GeneDx Variant Classification Process June 2021. Collection method: clinical testing. Allele origin: germline. Affected: yes.
Comment: Not observed at significant frequency in large population cohorts (gnomAD); In silico analysis supports that this missense variant does not alter protein structure/function; Has not been previously published as pathogenic or benign to our knowledge; This variant is associated with the following publications: (PMID: 18199528)